The following is an entry in ClinVar:

ClinVar aggregate classification (germline): Pathogenic/Likely pathogenic. Review status: criteria provided, multiple submitters, no conflicts (2 of 4 stars). 21 submissions from 21 submitters: Pathogenic (19); Likely pathogenic (2). Last evaluated 2026-01-19.

Conditions:
Congenital myotonia, autosomal dominant form (THD). Also called: THOMSEN DISEASE; Myotonia congenita autosomal dominant. Identifiers: Orphanet 614, MedGen C2936781, MONDO:0008055, OMIM 160800.
Congenital myotonia, autosomal recessive form. Also called: BECKER DISEASE; Becker Generalized Myotonia; myotonia congenita, autosomal recessive. Identifiers: Orphanet 614, MedGen C0751360, MONDO:0009715, OMIM 255700.
Skeletal muscle channelopathy.
CLCN1-related disorder. Also called: CLCN1-related condition.

Allele frequency attached by ClinVar (database versions not stated): ESP Exome Variant Server 0.00031; gnomAD exomes 0.00037 and 0.00030; 1000 Genomes Project 0.00040; gnomAD 0.00019; ExAC 0.00023; TOPMed 0.00033; 1000 Genomes Project 30x 0.00047.
gnomAD v4.1: 576 of 1,612,286 alleles (0.036%); highest among the groups gnomAD compares: Non-Finnish European, 0.044%; 1 homozygote.

Submissions 1 to 13 of 21:

Labcorp Genetics (formerly Invitae), Labcorp
Classification: Pathogenic for Congenital myotonia, autosomal recessive form; Congenital myotonia, autosomal dominant form. Last evaluated: 2026-01-19. Review status: criteria provided, single submitter. Criteria: Invitae Variant Classification Sherloc (09022015). Collection method: clinical testing. Allele origin: germline.
Comment: This sequence change falls in intron 1 of the CLCN1 gene. It does not directly change the encoded amino acid sequence of the CLCN1 protein. It affects a nucleotide within the consensus splice site. This variant is present in population databases (rs202217420, gnomAD 0.04%). This variant has been observed in individual(s) with autosomal recessive myotonia congenita (PMID: 9040760, 18337730, 22094069, 23810313, 24349310, 24515601). In at least one individual the data is consistent with being in trans (on the opposite chromosome) from a pathogenic variant. ClinVar contains an entry for this variant (Variation ID: 289967). Variants that disrupt the consensus splice site are a relatively common cause of aberrant splicing (PMID: 17576681, 9536098). Algorithms developed to predict the effect of sequence changes on RNA splicing suggest that this variant may disrupt the consensus splice site. For these reasons, this variant has been classified as Pathogenic.

Dasa
Classification: Pathogenic. Last evaluated: 2025-11-08. Review status: criteria provided, single submitter. Criteria: DASA Assertion Criteria. Collection method: clinical testing. Allele origin: germline.
Comment: NM_000083.3(CLCN1):c.180+3A>T is a splice-region variant predicted to affect normal RNA splicing. This variant has been observed in affected individuals with related phenotype in a genotype context consistent with recessive disease (PMID: 31544778; PMID: 33263785; PMID: 19606495; PMID: 37355912; PMID: 32117024). This variant has been recurrently observed in individuals with related phenotype (PMID: 31544778; PMID: 33263785; PMID: 19606495; PMID: 37355912; PMID: 32117024). Segregation evidence has been reported in affected families. Multiple computational predictions support a deleterious effect on the gene or gene product. The variant is present at low frequency in population datasets. Based on the available data, this variant is classified as pathogenic.

CeGaT Center for Human Genetics Tuebingen
Classification: Likely pathogenic. Last evaluated: 2025-10-01. Review status: criteria provided, single submitter. Criteria: CeGaT Center For Human Genetics Tuebingen Variant Classification Criteria Version 2. Collection method: clinical testing. Allele origin: germline. Affected: yes. Observed: 7 variant alleles.
Comment: CLCN1: PM3:Very Strong, PM2, BP4

Genetics Laboratory, Great Ormond Street Hospital NHS Foundation Trust, North Thames Genomic Laboratory Hub
Classification: Pathogenic for Skeletal muscle channelopathy. Last evaluated: 2025-08-06. Review status: criteria provided, single submitter. Criteria: ACGS Best Practice Guidelines for Variant Classification in Rare Disease 2024 v1.2. Collection method: clinical testing. Allele origin: germline. Affected: yes.
Comment: PP3_supporting, PP1_strong, PM3_very-strong

Revvity Omics, Revvity
Classification: Pathogenic. Last evaluated: 2025-01-20. Review status: criteria provided, single submitter. Criteria: ACMG Guidelines, 2015. Collection method: clinical testing. Allele origin: germline.

Athena Diagnostics
Classification: Pathogenic. Last evaluated: 2024-10-24. Review status: criteria provided, single submitter. Criteria: Athena Diagnostics Criteria. Collection method: clinical testing. Allele origin: unknown.
Comment: The frequency of this variant in the general population is consistent with pathogenicity. This variant has been reported in multiple families with autosomal recessive myotonia congenita. In multiple individuals, this variant has been seen with a single recessive pathogenic variant in the same gene, suggesting this variant may also be pathogenic. Computational tools yielded predictions that this variant may interfere with normal RNA splicing.

Blueprint Genetics
Classification: Pathogenic for CLCN1-related disorders. Last evaluated: 2024-08-12. Review status: criteria provided, single submitter. Criteria: ACMG Guidelines, 2015. Collection method: clinical testing. Allele origin: germline. Affected: yes. Observed: 5 variant alleles.

Women's Health and Genetics/Laboratory Corporation of America, LabCorp
Classification: Pathogenic for Congenital myotonia, autosomal recessive form. Last evaluated: 2024-08-06. Review status: criteria provided, single submitter. Criteria: LabCorp Variant Classification Summary - May 2015. Collection method: clinical testing. Allele origin: germline.
Comment: Variant summary: CLCN1 c.180+3A>T alters a conserved nucleotide located close to a canonical splice site and therefore could affect mRNA splicing, leading to a significantly altered protein sequence. Several computational tools predict a significant impact on normal splicing: Four predict the variant weakens the canonical 5' splicing donor site. Nucleotide substitutions at this position, such as +3A>T and 3A>C have been confirmed by functional studies to result in exon skipping (PMID 19606495). The variant allele was found at a frequency of 0.0003 in 245822 control chromosomes. This frequency is not significantly higher than estimated for a pathogenic variant in CLCN1 causing Myotonia congenita (0.0003 vs 0.0035), allowing no conclusion about variant significance. c.180+3A>T has been reported in the literature as a biallelic homozygous or compound heterozygous genotype in multiple individuals affected with Myotonia congenita (example, Mazon_2012). Loss of function is an established mechanism of Autosomal Recessive Myotonia congenita (Mazon_2012). These data indicate that the variant is very likely to be associated with disease. The following publication has been ascertained in the context of this evaluation (PMID: 22094069). ClinVar contains an entry for this variant (Variation ID: 289967). Based on the evidence outlined above, the variant was classified as pathogenic.

Fulgent Genetics
Classification: Pathogenic for Congenital myotonia, autosomal dominant form; Congenital myotonia, autosomal recessive form. Last evaluated: 2024-03-14. Review status: criteria provided, single submitter. Criteria: ACMG Guidelines, 2015. Collection method: clinical testing. Allele origin: germline.

Laboratory of Medical Genetics, National & Kapodistrian University of Athens
Classification: Pathogenic for Congenital myotonia, autosomal recessive form. Last evaluated: 2024-02-20. Review status: criteria provided, single submitter. Criteria: ACMG Guidelines, 2015. Collection method: clinical testing. Allele origin: germline. Affected: yes.

Greenwood Genetic Center Diagnostic Laboratories, Greenwood Genetic Center
Classification: Pathogenic for Congenital myotonia, autosomal dominant form. Last evaluated: 2024-01-22. Review status: criteria provided, single submitter. Criteria: ACMG Guidelines, 2015. Collection method: clinical testing. Allele origin: germline. Affected: yes.
Comment: PS3, PM3-strong, PP1

Mayo Clinic Laboratories, Mayo Clinic
Classification: Pathogenic. Last evaluated: 2023-10-02. Review status: criteria provided, single submitter. Criteria: ACMG Guidelines, 2015. Collection method: clinical testing. Allele origin: germline. Observed: 3 variant alleles.
Comment: PP4, PM3_strong, PS4

Victorian Clinical Genetics Services, Murdoch Childrens Research Institute
Classification: Pathogenic for Congenital myotonia, autosomal recessive form. Last evaluated: 2023-07-17. Review status: criteria provided, single submitter. Criteria: ACMG Guidelines, 2015. Collection method: clinical testing. Allele origin: germline. Inheritance: Autosomal recessive inheritance. Affected: yes.
Comment: Based on the classification scheme VCGS_Germline_v1.3.4, this variant is classified as Pathogenic. Following criteria are met: 0103 - Dominant negative and loss of function are known mechanisms of disease in this gene. There are no clear phenotype-genotype correlations; however, loss of function is generally associated with autosomal recessive inheritance (PMIDs: 20301529, 32117024). (I) 0108 - This gene is associated with both recessive and dominant disease. Recessive myotonia congenita (MIM#255700, Becker disease) is more severe than dominant myotonia congenita (MIM#160800, Thomsen disease). At least twelve variants were reported to cause both diseases (PMIDs: 20301529, 32010054). (I) 0112 - The condition associated with this gene has incomplete penetrance. Incomplete penetrance has been suggested for pathogenic variants associated with autosomal dominant inheritance (PMIDs: 20301529, 32117024). (I) 0115 - Variants in this gene are known to have variable expressivity. Intrafamilial phenotypic variability has been reported (PMID: 20301529). (I) 0212 - Non-canonical splice site variant without proven consequence on splicing (no functional evidence available). (SP) 0251 - This variant is heterozygous. (I) 0304 - Variant is present in gnomAD (v2) <0.01 for a recessive condition (79 heterozygotes, 0 homozygotes). (SP) 0311 - An alternative nucleotide change at the nucleotide is present in gnomAD (v3) (1 heterozygote, 0 homozygotes). (I) 0508 - In silico predictions for abnormal splicing are conflicting. (I) 0801 - This variant has strong previous evidence of pathogenicity in unrelated individuals. This variant has been classified as pathogenic by multiple clinical laboratories in ClinVar, and has been observed as homozygous or compound heterozgous in individuals with Becker disease/myotonia in the literature (PMIDs: 33263785, 31544778). (SP) 1208 - Inheritance information for this variant is not currently available in this individual. (I) Legend: (SP) - Supporting pathogenic, (I) - Information, (SB) - Supporting benign

NM_000083.3(CLCN1):c.180+3A>T

Gene: CLCN1 (chloride voltage-gated channel 1; plus strand). Cytogenetic location: 7q34.
Variant type: single nucleotide variant.
Coding change: c.180+3A>T on transcript NM_000083.3 (MANE Select); 3 bases into the intron after coding-DNA position 180, A replaced by T.
Molecular consequence: intron variant.
Genome position (GRCh38, 1-based): chr7:143,316,395, A>T. VCF-style: chr7-143316395-A-T. GRCh37 (hg19) VCF-style: chr7-143013488-A-T.
Other names: p.?.
Identifiers: ClinVar variation 289967 (VCV000289967.78), dbSNP rs202217420, ClinGen allele CA4536844.
Genomic context (GRCh38, chr7:143,316,395, plus strand): 5'-CCTCCAGCACAGGCTCCGGAAGGATGCAGGCCCCCGCCACAACGTCCACCCCACACAGGT[A>T]AAGTGCTCTAAGGGGAGAGGGGAGCCATGGATGAGGGGAGACAGTGGTGCCAGAGACTGG-3'